The following is an entry in ClinVar:

ClinVar aggregate classification (germline): Benign. Review status: criteria provided, multiple submitters, no conflicts (2 of 4 stars). 4 submissions from 4 submitters: Benign (3). 1 of the submissions does not count toward it. Last evaluated 2019-04-19.

Conditions:
DNAH17-related disorder. Also called: DNAH17-related condition.

Allele frequency attached by ClinVar (database versions not stated): 1000 Genomes Project 30x 0.10431; 1000 Genomes Project 0.10583; TOPMed 0.12508; gnomAD 0.12590 and 0.12741; ESP Exome Variant Server 0.12623.
gnomAD v4.1: 260,318 of 1,611,708 alleles (16%); highest among the groups gnomAD compares: Middle Eastern, 20%; 22,566 homozygotes.

Submissions (4):

GeneDx
Classification: Benign. Last evaluated: 2019-04-19. Review status: criteria provided, single submitter. Criteria: GeneDx Variant Classification Process June 2021. Collection method: clinical testing. Allele origin: germline. Affected: yes.
Comment: This variant is associated with the following publications: (PMID: 30389748)

Laboratory for Molecular Medicine, Mass General Brigham Personalized Medicine
Classification: Benign. Last evaluated: 2016-03-29. Review status: criteria provided, single submitter. Criteria: LMM Criteria. Collection method: clinical testing. Allele origin: germline.
Comment: Variant identified in a genome or exome case(s) and assessed due to predicted null impact of the variant or pathogenic assertions in the literature or databases. Disclaimer: This variant has not undergone full assessment. The following are preliminary notes: Frequency

Breakthrough Genomics
Classification: Benign. Review status: criteria provided, single submitter. Criteria: ACMG Guidelines, 2015. Collection method: not provided. Allele origin: germline. Inheritance: Autosomal recessive inheritance. Affected: yes.

PreventionGenetics, part of Exact Sciences
Classification: Benign for DNAH17-related condition. Last evaluated: 2019-11-18. Review status: no assertion criteria provided. Collection method: clinical testing. Allele origin: germline. Not counted in ClinVar's aggregate classification.
Comment: This variant is classified as benign based on ACMG/AMP sequence variant interpretation guidelines (Richards et al. 2015 PMID: 25741868, with internal and published modifications).

NM_173628.4(DNAH17):c.11857C>T (p.His3953Tyr)

Gene: DNAH17 (dynein axonemal heavy chain 17; minus strand). Cytogenetic location: 17q25.3.
Variant type: single nucleotide variant.
Coding change: c.11857C>T on transcript NM_173628.4 (MANE Select); coding-DNA position 11857, C replaced by T.
Protein change: p.His3953Tyr; replaces histidine 3953 with tyrosine.
Molecular consequence: missense variant.
Genome position (GRCh38, 1-based): chr17:78,437,817, G>A on the plus strand (C>T on the coding strand, the complement: DNAH17 is on the minus strand). VCF-style: chr17-78437817-G-A. GRCh37 (hg19) VCF-style: chr17-76433899-G-A.
Other names: short protein forms H3953Y.
Identifiers: ClinVar variation 402675 (VCV000402675.9), dbSNP rs61742072, ClinGen allele CA8800279.